The following is an entry in ClinVar:

NM_153240.5(NPHP3):c.1124T>A (p.Leu375Ter)

Genes: NPHP3-ACAD11 (NPHP3-ACAD11 readthrough (NMD candidate); minus strand), NPHP3 (nephrocystin 3; minus strand). Cytogenetic location: 3q22.1.
Variant type: single nucleotide variant.
Coding change: c.1124T>A on transcript NM_153240.5 (MANE Select); coding-DNA position 1124, T replaced by A.
Protein change: p.Leu375Ter; replaces leucine 375 with a stop codon.
Molecular consequence: nonsense. On other transcripts: non-coding transcript variant (1).
Genome position (GRCh38, 1-based): chr3:132,708,252, A>T on the plus strand (T>A on the coding strand, the complement: NPHP3 is on the minus strand). VCF-style: chr3-132708252-A-T. GRCh37 (hg19) VCF-style: chr3-132427096-A-T.
Other names: short protein forms L375*.
Identifiers: ClinVar variation 2075621 (VCV002075621.4), dbSNP rs2530464286, ClinGen allele CA354585309.

ClinVar aggregate classification (germline): Pathogenic (1 of 4 stars; one submission).

Conditions:
Nephronophthisis. Also called: Juvenile Nephronophthisis. Identifiers: Orphanet 655, MedGen C0687120, MONDO:0019005, HP:0000090.

Submission:

Labcorp Genetics (formerly Invitae), Labcorp
Classification: Pathogenic for Nephronophthisis. Last evaluated: 2024-10-03. Review status: criteria provided, single submitter. Criteria: Invitae Variant Classification Sherloc (09022015). Collection method: clinical testing. Allele origin: germline.
Comment: This sequence change creates a premature translational stop signal (p.Leu375*) in the NPHP3 gene. It is expected to result in an absent or disrupted protein product. Loss-of-function variants in NPHP3 are known to be pathogenic (PMID: 18371931, 23559409). This variant is not present in population databases (gnomAD no frequency). This variant has not been reported in the literature in individuals affected with NPHP3-related conditions. ClinVar contains an entry for this variant (Variation ID: 2075621). For these reasons, this variant has been classified as Pathogenic.

Literature cited by the submitters: PubMed 18371931; PubMed 23559409.